The following is an entry in ClinVar:

ClinVar aggregate classification (germline): Pathogenic (1 of 4 stars; one submission).

Conditions:
Gorlin syndrome. Also called: Basal cell nevus syndrome; Nevoid Basal Cell Carcinoma Syndrome. Identifiers: Orphanet 377, MedGen C0004779, MONDO:0007187.
Medulloblastoma (MDB). Also called: MEDULLOBLASTOMA PREDISPOSITION SYNDROME; Medulloblastoma, somatic. Identifiers: Orphanet 616, MedGen C0025149, MeSH D008527, MONDO:0007959, OMIM 155255, HP:0002885.

Submission:

Labcorp Genetics (formerly Invitae), Labcorp
Classification: Pathogenic for Gorlin syndrome; Medulloblastoma. Last evaluated: 2021-07-01. Review status: criteria provided, single submitter. Criteria: Invitae Variant Classification Sherloc (09022015). Collection method: clinical testing. Allele origin: germline.
Comment: This sequence change creates a premature translational stop signal (p.Gly193Trpfs*14) in the SUFU gene. It is expected to result in an absent or disrupted protein product. Loss-of-function variants in SUFU are known to be pathogenic (PMID: 22508808, 25403219). This variant is not present in population databases (ExAC no frequency). This variant has not been reported in the literature in individuals affected with SUFU-related conditions. For these reasons, this variant has been classified as Pathogenic.

Literature cited by the submitters: PubMed 22508808; PubMed 25403219.

NM_016169.4(SUFU):c.576dup (p.Gly193fs)

Gene: SUFU (SUFU negative regulator of hedgehog signaling; plus strand). Cytogenetic location: 10q24.32.
Variant type: Duplication.
Coding change: c.576dup on transcript NM_016169.4 (MANE Select); coding-DNA position 576, one base duplicated (T; older notation c.576dupT).
Protein change: p.Gly193fs; shifts the reading frame from glycine 193.
Molecular consequence: frameshift variant.
Genome position (GRCh38, 1-based): chr10:102,592,703, T duplicated; the last of 3 consecutive T bases (chr10:102,592,701-102,592,703); duplicating any one gives the same sequence. VCF-style (leftmost placement, unchanged base first): chr10-102592700-C-CT. GRCh37 (hg19) VCF-style: chr10-104352457-C-CT.
Other names: c.576dup, p.Gly193fs (NM_001178133.2); short protein forms G193fs.
Identifiers: ClinVar variation 1366442 (VCV001366442.6), dbSNP rs2135867295, ClinGen allele CA2573145487.
Genomic context (GRCh38, chr10:102,592,700, plus strand): 5'-GTCAAGAATTCAGCACATGCTGCTGACAGAGGACCCACAGATGCAGCCCGTGCAGACACC[C>CT]TTTGGGGTAGTTACCTTCCTCCAGGTGAGGCACAGGTTGGACGCTGGCTCAAGCCTTCCT-3'